The following is an entry in ClinVar:

ClinVar aggregate classification (germline): Benign/Likely benign. Review status: criteria provided, multiple submitters, no conflicts (2 of 4 stars). 8 submissions from 8 submitters: Benign (1); Likely benign (7). Last evaluated 2026-02-16.

Conditions:
TTN-related disorder. Also called: TTN-related condition; TTN-related disease; TTN-related disorders.
Cardiovascular phenotype. Identifiers: MedGen CN230736.
Autosomal recessive limb-girdle muscular dystrophy type 2J (LGMDR10). Also called: Limb-girdle muscular dystrophy, type 2J; MUSCULAR DYSTROPHY, LIMB-GIRDLE, AUTOSOMAL RECESSIVE 10. Identifiers: Orphanet 140922, MedGen C1837342, MONDO:0012127, OMIM 608807.
Dilated cardiomyopathy 1G (CMD1G). Identifiers: Orphanet 154, MedGen C1858763, MONDO:0011400, OMIM 604145.

Allele frequency attached by ClinVar (database versions not stated): ExAC 0.00017; TOPMed 0.00017; gnomAD 0.00021; ESP Exome Variant Server 0.00025; gnomAD exomes 0.00025.
gnomAD v4.1: 230 of 1,613,806 alleles (0.014%); highest among the groups gnomAD compares: Admixed American, 0.013%; 1 homozygote.

Submissions (8):

PreventionGenetics, part of Exact Sciences
Classification: Likely benign for TTN-related condition. Last evaluated: 2026-02-16. Review status: criteria provided, single submitter. Criteria: ACMG Guidelines, 2015. Collection method: clinical testing. Allele origin: germline.
Comment: This variant is classified as likely benign based on ACMG/AMP sequence variant interpretation guidelines (Richards et al. 2015 PMID: 25741868, with internal and published modifications).

CeGaT Center for Human Genetics Tuebingen
Classification: Likely benign. Last evaluated: 2026-02-01. Review status: criteria provided, single submitter. Criteria: CeGaT Center For Human Genetics Tuebingen Variant Classification Criteria Version 2. Collection method: clinical testing. Allele origin: germline. Affected: yes. Observed: 15 variant alleles.
Comment: TTN: BP4, BP7

Labcorp Genetics (formerly Invitae), Labcorp
Classification: Likely benign for Dilated cardiomyopathy 1G; Autosomal recessive limb-girdle muscular dystrophy type 2J. Last evaluated: 2026-01-26. Review status: criteria provided, single submitter. Criteria: Invitae Variant Classification Sherloc (09022015). Collection method: clinical testing. Allele origin: germline.

Blueprint Genetics
Classification: Likely benign. Last evaluated: 2023-09-13. Review status: criteria provided, single submitter. Criteria: ACMG Guidelines, 2015. Collection method: clinical testing. Allele origin: germline.

GeneDx
Classification: Likely benign. Last evaluated: 2018-01-02. Review status: criteria provided, single submitter. Criteria: GeneDx Variant Classification (06012015). Collection method: clinical testing. Allele origin: germline. Affected: yes.
Comment: This variant is considered likely benign or benign based on one or more of the following criteria: it is a conservative change, it occurs at a poorly conserved position in the protein, it is predicted to be benign by multiple in silico algorithms, and/or has population frequency not consistent with disease.

Athena Diagnostics
Classification: Benign. Last evaluated: 2017-06-07. Review status: criteria provided, single submitter. Criteria: Athena Diagnostics Criteria. Collection method: clinical testing. Allele origin: germline.

Ambry Genetics
Classification: Likely benign for Cardiovascular phenotype. Last evaluated: 2017-05-19. Review status: criteria provided, single submitter. Criteria: Ambry Variant Classification Scheme 2023. Collection method: clinical testing. Allele origin: germline.

Laboratory for Molecular Medicine, Mass General Brigham Personalized Medicine
Classification: Likely benign. Last evaluated: 2016-02-09. Review status: criteria provided, single submitter. Criteria: LMM Criteria. Collection method: clinical testing. Allele origin: germline. Observed: 1 variant allele.
Comment: p.Leu3827Leu in exon 45B of TTN: This variant is not expected to have clinical s ignificance because it does not alter an amino acid residue and is not located w ithin the splice consensus sequence. It has been identified in 20/66652 European chromosomes by the Exome Aggregation Consortium (ExAC; dbSNP rs201129413)

NM_001267550.2(TTN):c.12195T>C (p.Leu4065=)

Gene: TTN (titin; minus strand). Cytogenetic location: 2q31.2.
Variant type: single nucleotide variant.
Coding change: c.12195T>C on transcript NM_001267550.2 (MANE Select); coding-DNA position 12195, T replaced by C.
Protein change: p.Leu4065=; no amino-acid change (leucine 4065 retained).
Molecular consequence: synonymous variant. On other transcripts: intron variant (1).
Genome position (GRCh38, 1-based): chr2:178,741,038, A>G on the plus strand (T>C on the coding strand, the complement: TTN is on the minus strand). VCF-style: chr2-178741038-A-G. GRCh37 (hg19) VCF-style: chr2-179605765-A-G.
Other names: c.11244T>C, p.Leu3748= (NM_001256850.1); c.11106T>C, p.Leu3702= (NM_003319.4); c.11481T>C, p.Leu3827= (NM_133432.3); c.11682T>C, p.Leu3894= (NM_133437.4); c.10361-2678T>C (NM_133378.4).
Identifiers: ClinVar variation 228189 (VCV000228189.66), dbSNP rs201129413, ClinGen allele CA2002744.